The following is an entry in ClinVar:

NM_000138.5(FBN1):c.719G>C (p.Arg240Pro)

Gene: FBN1 (fibrillin 1; minus strand). Cytogenetic location: 15q21.1.
Variant type: single nucleotide variant.
Coding change: c.719G>C on transcript NM_000138.5 (MANE Select); coding-DNA position 719, G replaced by C.
Protein change: p.Arg240Pro; replaces arginine 240 with proline.
Molecular consequence: missense variant.
Genome position (GRCh38, 1-based): chr15:48,537,628, C>G on the plus strand (G>C on the coding strand, the complement: FBN1 is on the minus strand). VCF-style: chr15-48537628-C-G. GRCh37 (hg19) VCF-style: chr15-48829825-C-G.
Other names: c.719G>C, p.Arg240Pro (NM_001406717.1, NM_001406716.1); short protein forms R240P.
Identifiers: ClinVar variation 2773397 (VCV002773397.2), dbSNP rs768744583, ClinGen allele CA392445813.

ClinVar aggregate classification (germline): Uncertain significance (1 of 4 stars; one submission).

Conditions:
Familial thoracic aortic aneurysm and aortic dissection (TAAD). Also called: Thoracic aortic aneurysms and dissections. Identifiers: Orphanet 91387, MedGen C4707243, MONDO:0019625.

gnomAD v4.1: 1 of 1,614,148 alleles (0.000062%); highest among the groups gnomAD compares: Admixed American, 0.0017%; no homozygotes.

Submission:

Color Diagnostics, LLC DBA Color Health
Classification: Uncertain significance for Familial thoracic aortic aneurysm and aortic dissection. Last evaluated: 2024-03-06. Review status: criteria provided, single submitter. Criteria: ACMG Guidelines, 2015. Collection method: clinical testing. Allele origin: germline.
Comment: This missense variant replaces arginine with proline at codon 240 of the FBN1 protein. Computational prediction suggests that this variant may have deleterious impact on protein structure and function (internally defined REVEL score threshold >= 0.7, PMID: 27666373). To our knowledge, functional studies have not been reported for this variant. This variant has not been reported in individuals affected with cardiovascular disorders in the literature. This variant has not been identified in the general population by the Genome Aggregation Database (gnomAD). The available evidence is insufficient to determine the role of this variant in disease conclusively. Therefore, this variant is classified as a Variant of Uncertain Significance.